The following is an entry in ClinVar:

ClinVar aggregate classification (germline): Uncertain significance. Review status: criteria provided, multiple submitters, no conflicts (2 of 4 stars). 2 submissions from 2 submitters: Uncertain significance (2). Last evaluated 2025-09-20.

Conditions:
Early-infantile DEE. Also called: Early infantile epileptic encephalopathy; Ohtahara syndrome; Early infantile epileptic encephalopathy with suppression bursts. Identifiers: Orphanet 1934, MedGen C0393706, MONDO:0800491.

Allele frequency attached by ClinVar (database versions not stated): gnomAD 0.00001; TOPMed 0.00002; ESP Exome Variant Server 0.00008.
gnomAD v4.1: 71 of 1,612,608 alleles (0.0044%); highest among the groups gnomAD compares: Admixed American, 0.0083%; no homozygotes.

Submissions (2):

Labcorp Genetics (formerly Invitae), Labcorp
Classification: Uncertain significance for Early-infantile DEE. Last evaluated: 2025-09-20. Review status: criteria provided, single submitter. Criteria: Invitae Variant Classification Sherloc (09022015). Collection method: clinical testing. Allele origin: germline.
Comment: This sequence change replaces arginine, which is basic and polar, with serine, which is neutral and polar, at codon 417 of the ARHGEF15 protein (p.Arg417Ser). This variant is present in population databases (rs376034940, gnomAD 0.009%). This variant has not been reported in the literature in individuals affected with ARHGEF15-related conditions. ClinVar contains an entry for this variant (Variation ID: 663912). An algorithm developed to predict the effect of missense changes on protein structure and function (PolyPhen-2) suggests that this variant is likely to be disruptive. In summary, the available evidence is currently insufficient to determine the role of this variant in disease. Therefore, it has been classified as a Variant of Uncertain Significance.

Ambry Genetics
Classification: Uncertain significance. Last evaluated: 2024-05-15. Review status: criteria provided, single submitter. Criteria: Ambry Variant Classification Scheme 2023. Collection method: clinical testing. Allele origin: germline.

NM_173728.4(ARHGEF15):c.1249C>A (p.Arg417Ser)

Gene: ARHGEF15 (Rho guanine nucleotide exchange factor 15; plus strand). Cytogenetic location: 17p13.1.
Variant type: single nucleotide variant.
Coding change: c.1249C>A on transcript NM_173728.4 (MANE Select); coding-DNA position 1249, C replaced by A.
Protein change: p.Arg417Ser; replaces arginine 417 with serine.
Molecular consequence: missense variant.
Genome position (GRCh38, 1-based): chr17:8,315,266, C>A. VCF-style: chr17-8315266-C-A. GRCh37 (hg19) VCF-style: chr17-8218584-C-A.
Other names: c.1249C>A (NM_173728.3); c.1249C>A, p.Arg417Ser (NM_025014.2); short protein forms R417S.
Identifiers: ClinVar variation 663912 (VCV000663912.12), dbSNP rs376034940, ClinGen allele CA8375110.